The following is an entry in ClinVar:

NM_001355436.2(SPTB):c.435G>T (p.Leu145=)

Gene: SPTB (spectrin beta, erythrocytic; minus strand). Cytogenetic location: 14q23.3.
Variant type: single nucleotide variant.
Coding change: c.435G>T on transcript NM_001355436.2 (MANE Select); coding-DNA position 435, G replaced by T.
Protein change: p.Leu145=; no amino-acid change (leucine 145 retained).
Molecular consequence: synonymous variant.
Genome position (GRCh38, 1-based): chr14:64,803,646, C>A on the plus strand (G>T on the coding strand, the complement: SPTB is on the minus strand). VCF-style: chr14-64803646-C-A. GRCh37 (hg19) VCF-style: chr14-65270364-C-A.
Other names: c.435G>T, p.Leu145= (NM_001024858.4, NM_001355437.2).
Identifiers: ClinVar variation 3058805 (VCV003058805.2), dbSNP rs2139637125, ClinGen allele CA486734817.

ClinVar aggregate classification (germline): Likely benign (0 of 4 stars; one submission).

Conditions:
SPTB-related disorder. Also called: SPTB-related condition; SPTB-Related Disorders.

Allele frequency attached by ClinVar (database versions not stated): gnomAD exomes below 0.00001.
gnomAD v4.1: 4 of 1,614,220 alleles (0.00025%); highest among the groups gnomAD compares: Non-Finnish European, 0.000085%; no homozygotes.

Submission:

PreventionGenetics, part of Exact Sciences
Classification: Likely benign for SPTB-related condition. Last evaluated: 2019-03-26. Review status: no assertion criteria provided. Collection method: clinical testing. Allele origin: germline.
Comment: This variant is classified as likely benign based on ACMG/AMP sequence variant interpretation guidelines (Richards et al. 2015 PMID: 25741868, with internal and published modifications).